The following is an entry in ClinVar:

ClinVar aggregate classification (germline): Pathogenic (1 of 4 stars; one submission).

Conditions:
TCF12-related craniosynostosis. Also called: Craniosynostosis 3. Identifiers: Orphanet 35098, Orphanet 35099, Orphanet 672979, MedGen C3715051, MONDO:0014128, OMIM 615314.

Submission:

Imagene.me medical diagnostic laboratory, IMAGENE.ME SA
Classification: Pathogenic for TCF12-related craniosynostosis. Review status: criteria provided, single submitter. Criteria: IMAGENE.ME Variant Classification SOP 2022. Collection method: clinical testing. Allele origin: de novo. Affected: yes.
Comment: Classified according to the IMAGENE.ME variant classification SOP based on the ACMG guidelines as Pathogenic (P): PS2_Supporting + PVS1 + PM2_Supporting

NM_207037.2(TCF12):c.1468-1G>A

Gene: TCF12 (transcription factor 12; plus strand). Cytogenetic location: 15q21.3.
Variant type: single nucleotide variant.
Coding change: c.1468-1G>A on transcript NM_207037.2 (MANE Select); the canonical splice acceptor site of the intron before coding-DNA position 1468, G replaced by A.
Molecular consequence: splice acceptor variant.
Genome position (GRCh38, 1-based): chr15:57,262,093, G>A. VCF-style: chr15-57262093-G-A. GRCh37 (hg19) VCF-style: chr15-57554291-G-A.
Other names: c.1468-1G>A (NM_001322151.2, NM_001322159.3, NM_001322152.2 and 2 more transcripts); c.1396-1G>A (NM_001322157.3, NM_003205.4, NM_207038.2 and 1 more transcripts); c.1294-1G>A (NM_001322156.2); c.1222-1G>A (NM_001322158.2); c.811-1G>A (NM_001322154.2); c.1465-1G>A (NM_001322161.2); c.1432-1G>A (NM_001322164.2); c.958-1G>A (NM_001306219.3); and 2 more.
Identifiers: ClinVar variation 4685482 (VCV004685482.1).